The following is an entry in ClinVar:

ClinVar aggregate classification (germline): Uncertain significance (1 of 4 stars; one submission).

Allele frequency attached by ClinVar (database versions not stated): TOPMed below 0.00001; gnomAD exomes 0.00001.
gnomAD v4.1: 9 of 1,612,378 alleles (0.00056%); highest among the groups gnomAD compares: South Asian, 0.0033%; no homozygotes.

Submission:

Labcorp Genetics (formerly Invitae), Labcorp
Classification: Uncertain significance. Last evaluated: 2024-07-30. Review status: criteria provided, single submitter. Criteria: Invitae Variant Classification Sherloc (09022015). Collection method: clinical testing. Allele origin: germline.
Comment: This sequence change replaces glutamic acid, which is acidic and polar, with lysine, which is basic and polar, at codon 863 of the PLEKHM2 protein (p.Glu863Lys). This variant is present in population databases (no rsID available, gnomAD 0.003%). This variant has not been reported in the literature in individuals affected with PLEKHM2-related conditions. ClinVar contains an entry for this variant (Variation ID: 478091). An algorithm developed to predict the effect of missense changes on protein structure and function (PolyPhen-2) suggests that this variant is likely to be tolerated. In summary, the available evidence is currently insufficient to determine the role of this variant in disease. Therefore, it has been classified as a Variant of Uncertain Significance.

NM_015164.4(PLEKHM2):c.2587G>A (p.Glu863Lys)

Gene: PLEKHM2 (pleckstrin homology and RUN domain containing M2; plus strand). Cytogenetic location: 1p36.21.
Variant type: single nucleotide variant.
Coding change: c.2587G>A on transcript NM_015164.4 (MANE Select); coding-DNA position 2587, G replaced by A.
Protein change: p.Glu863Lys; replaces glutamic acid 863 with lysine.
Molecular consequence: missense variant.
Genome position (GRCh38, 1-based): chr1:15,732,010, G>A. VCF-style: chr1-15732010-G-A. GRCh37 (hg19) VCF-style: chr1-16058505-G-A.
Other names: short protein forms E863K.
Identifiers: ClinVar variation 478091 (VCV000478091.8), dbSNP rs1412158115, ClinGen allele CA338573903.